The following is an entry in ClinVar:

NM_012188.5(FOXI1):c.442C>G (p.Gln148Glu)

Gene: FOXI1 (forkhead box I1; plus strand). Cytogenetic location: 5q35.1.
Variant type: single nucleotide variant.
Coding change: c.442C>G on transcript NM_012188.5 (MANE Select); coding-DNA position 442, C replaced by G.
Protein change: p.Gln148Glu; replaces glutamine 148 with glutamic acid.
Molecular consequence: missense variant.
Genome position (GRCh38, 1-based): chr5:170,106,399, C>G. VCF-style: chr5-170106399-C-G. GRCh37 (hg19) VCF-style: chr5-169533403-C-G.
Other names: c.442C>G, p.Gln148Glu (NM_144769.4); short protein forms Q148E.
Identifiers: ClinVar variation 290061 (VCV000290061.20), dbSNP rs553561553, ClinGen allele CA3555025.

ClinVar aggregate classification (germline): Conflicting classifications of pathogenicity. Review status: criteria provided, conflicting classifications (1 of 4 stars). 6 submissions from 6 submitters: Uncertain significance (4); Likely benign (1). 1 of the submissions does not count toward it. Last evaluated 2025-12-19.

Conditions:
Autosomal recessive nonsyndromic hearing loss 4 (DFNB4). Also called: Deafness, autosomal recessive 4; Enlarged vestibular aqueduct, digenic; DEAFNESS, AUTOSOMAL RECESSIVE 4, WITH ENLARGED VESTIBULAR AQUEDUCT, DIGENIC; Nonsyndromic enlarged vestibular aqueduct (NSEVA); Deafness, autosomal recessive 4, with enlarged vestibular aqueduct; FOXI1-Related Pendred Syndrome. Identifiers: Orphanet 90636, MedGen C3538946, MONDO:0010933, OMIM 600791.
FOXI1-related disorder. Also called: FOXI1-related condition.

Allele frequency attached by ClinVar (database versions not stated): ExAC 0.00007; gnomAD exomes 0.00009 and 0.00038; 1000 Genomes Project 30x 0.00016; 1000 Genomes Project 0.00020; gnomAD 0.00074 and 0.00077; TOPMed 0.00094.

Submissions (6):

Labcorp Genetics (formerly Invitae), Labcorp
Classification: Likely benign. Last evaluated: 2025-12-19. Review status: criteria provided, single submitter. Criteria: Invitae Variant Classification Sherloc (09022015). Collection method: clinical testing. Allele origin: germline.

Blueprint Genetics
Classification: Uncertain significance. Last evaluated: 2023-06-07. Review status: criteria provided, single submitter. Criteria: ACMG Guidelines, 2015. Collection method: clinical testing. Allele origin: germline.

Revvity Omics, Revvity
Classification: Uncertain significance for Autosomal recessive nonsyndromic hearing loss 4. Last evaluated: 2022-03-22. Review status: criteria provided, single submitter. Criteria: ACMG Guidelines, 2015. Collection method: clinical testing. Allele origin: germline.

Illumina Laboratory Services, Illumina
Classification: Uncertain significance for Autosomal recessive nonsyndromic hearing loss 4. Last evaluated: 2018-01-12. Review status: criteria provided, single submitter. Criteria: ICSL Variant Classification Criteria 13 December 2019. Collection method: clinical testing. Allele origin: germline.

Eurofins Ntd Llc (ga)
Classification: Uncertain significance. Last evaluated: 2016-09-02. Review status: criteria provided, single submitter. Criteria: EGL Classification Definitions 2015. Collection method: clinical testing. Allele origin: germline. Observed: 2 variant alleles, 2 heterozygotes.

PreventionGenetics, part of Exact Sciences
Classification: Likely benign for FOXI1-related condition. Last evaluated: 2024-05-31. Review status: no assertion criteria provided. Collection method: clinical testing. Allele origin: germline. Not counted in ClinVar's aggregate classification.
Comment: This variant is classified as likely benign based on ACMG/AMP sequence variant interpretation guidelines (Richards et al. 2015 PMID: 25741868, with internal and published modifications).